The following is an entry in ClinVar:

NM_001003694.2(BRPF1):c.677A>G (p.Asp226Gly)

Gene: BRPF1 (bromodomain and PHD finger containing 1; plus strand). Cytogenetic location: 3p25.3.
Variant type: single nucleotide variant.
Coding change: c.677A>G on transcript NM_001003694.2 (MANE Select); coding-DNA position 677, A replaced by G.
Protein change: p.Asp226Gly; replaces aspartic acid 226 with glycine.
Molecular consequence: missense variant. On other transcripts: non-coding transcript variant (1).
Genome position (GRCh38, 1-based): chr3:9,739,076, A>G. VCF-style: chr3-9739076-A-G. GRCh37 (hg19) VCF-style: chr3-9780760-A-G.
Other names: c.677A>G, p.Asp226Gly (NM_001319049.2, NM_001319050.2, NM_001410704.1 and 1 more transcripts); short protein forms D226G.
Identifiers: ClinVar variation 3360436 (VCV003360436.1).

ClinVar aggregate classification (germline): Uncertain significance (1 of 4 stars; one submission).

gnomAD v4.1: 1 of 1,613,278 alleles (0.000062%); highest among the groups gnomAD compares: African/African-American, 0.0013%; no homozygotes.

Submission:

GeneDx
Classification: Uncertain significance. Last evaluated: 2023-06-26. Review status: criteria provided, single submitter. Criteria: GeneDx Variant Classification Process June 2021. Collection method: clinical testing. Allele origin: germline. Affected: yes.
Comment: Not observed at significant frequency in large population cohorts (gnomAD); In silico analysis supports that this missense variant has a deleterious effect on protein structure/function; Has not been previously published as pathogenic or benign to our knowledge